The following is an entry in ClinVar:

NM_000036.3(AMPD1):c.773C>G (p.Thr258Ser)

Gene: AMPD1 (adenosine monophosphate deaminase 1; minus strand). Cytogenetic location: 1p13.2.
Variant type: single nucleotide variant.
Coding change: c.773C>G on transcript NM_000036.3 (MANE Select); coding-DNA position 773, C replaced by G.
Protein change: p.Thr258Ser; replaces threonine 258 with serine.
Molecular consequence: missense variant.
Genome position (GRCh38, 1-based): chr1:114,679,703, G>C on the plus strand (C>G on the coding strand, the complement: AMPD1 is on the minus strand). VCF-style: chr1-114679703-G-C. GRCh37 (hg19) VCF-style: chr1-115222324-G-C.
Other names: c.761C>G, p.Thr254Ser (NM_001172626.2); short protein forms T254S, T258S.
Identifiers: ClinVar variation 2439021 (VCV002439021.4), dbSNP rs1161639285, ClinGen allele CA341750246.
Genomic context (GRCh38, chr1:114,679,703, plus strand): 5'-TTAAGCATCTGATGGACCTGGAACTTGGAGGAGAGGAACTTCAGGCGCCGGTGGGTATAG[G>C]TCTTACTGTGAAAAATAAAATCACATAATTCCAAAAAGTTTCAGGCATTCAAGAAAAACA-3'
Protein context (NP_000027.3, residues 248-268): LALIAQGPVK[Thr258Ser]YTHRRLKFLS

ClinVar aggregate classification (germline): Uncertain significance. Review status: criteria provided, multiple submitters, no conflicts (2 of 4 stars). 2 submissions from 2 submitters: Uncertain significance (2). Last evaluated 2024-01-04.

Conditions:
Muscle AMP deaminase deficiency (MMDD). Also called: Myoadenylate deaminase deficiency, myopathy due to; Adenosine monophosphate deaminase 1 deficiency; AMP deaminase 1 deficiency; Adenosine Monophosphate Deaminase 1; AMPD1 DEFICIENCY; ADENOSINE MONOPHOSPHATE DEAMINASE-1 DEFICIENCY, MYOPATHY DUE TO. Identifiers: Orphanet 45, MedGen C3714933, MONDO:0014220, OMIM 615511.

Allele frequency attached by ClinVar (database versions not stated): TOPMed 0.00001; gnomAD 0.00002.
gnomAD v4.1: 24 of 1,613,778 alleles (0.0015%); highest among the groups gnomAD compares: Non-Finnish European, 0.0019%; no homozygotes.

Submissions (2):

Labcorp Genetics (formerly Invitae), Labcorp
Classification: Uncertain significance for Muscle AMP deaminase deficiency. Last evaluated: 2024-01-04. Review status: criteria provided, single submitter. Criteria: Invitae Variant Classification Sherloc (09022015). Collection method: clinical testing. Allele origin: germline.
Comment: This sequence change replaces threonine, which is neutral and polar, with serine, which is neutral and polar, at codon 291 of the AMPD1 protein (p.Thr291Ser). This variant is present in population databases (no rsID available, gnomAD 0.002%). This variant has not been reported in the literature in individuals affected with AMPD1-related conditions. ClinVar contains an entry for this variant (Variation ID: 2439021). An algorithm developed to predict the effect of missense changes on protein structure and function (PolyPhen-2) suggests that this variant is likely to be disruptive. In summary, the available evidence is currently insufficient to determine the role of this variant in disease. Therefore, it has been classified as a Variant of Uncertain Significance.

Revvity Omics, Revvity
Classification: Uncertain significance for Muscle AMP deaminase deficiency. Last evaluated: 2019-02-11. Review status: criteria provided, single submitter. Criteria: ACMG Guidelines, 2015. Collection method: clinical testing. Allele origin: germline.